The following is an entry in ClinVar:

NM_001035.3(RYR2):c.4625C>T (p.Ala1542Val)

Gene: RYR2 (ryanodine receptor 2; plus strand). Cytogenetic location: 1q43.
Variant type: single nucleotide variant.
Coding change: c.4625C>T on transcript NM_001035.3 (MANE Select); coding-DNA position 4625, C replaced by T.
Protein change: p.Ala1542Val; replaces alanine 1542 with valine.
Molecular consequence: missense variant.
Genome position (GRCh38, 1-based): chr1:237,602,053, C>T. VCF-style: chr1-237602053-C-T. GRCh37 (hg19) VCF-style: chr1-237765353-C-T.
Other names: p.Ala1542Val; short protein forms A1542V.
Identifiers: ClinVar variation 2561456 (VCV002561456.9), dbSNP rs1231744468, ClinGen allele CA345401582.

ClinVar aggregate classification (germline): Uncertain significance. Review status: criteria provided, multiple submitters, no conflicts (2 of 4 stars). 4 submissions from 4 submitters: Uncertain significance (4). Last evaluated 2025-09-22.

Conditions:
Catecholaminergic polymorphic ventricular tachycardia 1. Also called: VENTRICULAR TACHYCARDIA, CATECHOLAMINERGIC POLYMORPHIC, 1, WITH OR WITHOUT ATRIAL DYSFUNCTION AND/OR DILATED CARDIOMYOPATHY; RYR2-Related Catecholaminergic Polymorphic Ventricular Tachycardia; VENTRICULAR TACHYCARDIA, STRESS-INDUCED POLYMORPHIC 1. Identifiers: Orphanet 3286, MedGen C1631597, MONDO:0011484, OMIM 604772.
Cardiovascular phenotype. Identifiers: MedGen CN230736.
Cardiomyopathy (CMYO). Also called: Cardiomyopathies. Identifiers: Orphanet 167848, MedGen C0878544, MONDO:0004994, HP:0001638. Inheritance: Various modes of inheritance.

Allele frequency attached by ClinVar (database versions not stated): TOPMed below 0.00001; gnomAD exomes 0.00001.
gnomAD v4.1: 9 of 1,612,484 alleles (0.00056%); highest among the groups gnomAD compares: Non-Finnish European, 0.00076%; no homozygotes.

Submissions (4):

Color Diagnostics, LLC DBA Color Health
Classification: Uncertain significance for Cardiomyopathy. Last evaluated: 2025-09-22. Review status: criteria provided, single submitter. Criteria: ACMG Guidelines, 2015. Collection method: clinical testing. Allele origin: germline.
Comment: This missense variant replaces alanine with valine at codon 1542 of the RYR2 protein. Computational prediction suggests that this variant may have deleterious impact on protein structure and function. To our knowledge, functional studies have not been reported for this variant. This variant has not been reported in individuals affected with RYR2-related disorders in the literature. This variant has been identified in 1/248364 chromosomes in the general population by the Genome Aggregation Database (gnomAD). The available evidence is insufficient to determine the role of this variant in disease conclusively. Therefore, this variant is classified as a Variant of Uncertain Significance.

Labcorp Genetics (formerly Invitae), Labcorp
Classification: Uncertain significance for Catecholaminergic polymorphic ventricular tachycardia 1. Last evaluated: 2024-07-08. Review status: criteria provided, single submitter. Criteria: Invitae Variant Classification Sherloc (09022015). Collection method: clinical testing. Allele origin: germline.
Comment: This sequence change replaces alanine, which is neutral and non-polar, with valine, which is neutral and non-polar, at codon 1542 of the RYR2 protein (p.Ala1542Val). This variant is present in population databases (no rsID available, gnomAD 0.0009%). This variant has not been reported in the literature in individuals affected with RYR2-related conditions. ClinVar contains an entry for this variant (Variation ID: 2561456). Advanced modeling of protein sequence and biophysical properties (such as structural, functional, and spatial information, amino acid conservation, physicochemical variation, residue mobility, and thermodynamic stability) has been performed at Invitae for this missense variant, however the output from this modeling did not meet the statistical confidence thresholds required to predict the impact of this variant on RYR2 protein function. In summary, the available evidence is currently insufficient to determine the role of this variant in disease. Therefore, it has been classified as a Variant of Uncertain Significance.

Mayo Clinic Laboratories, Mayo Clinic
Classification: Uncertain significance. Last evaluated: 2024-01-26. Review status: criteria provided, single submitter. Criteria: ACMG Guidelines, 2015. Collection method: clinical testing. Allele origin: germline. Observed: 1 variant allele.
Comment: PP3, PM2

Ambry Genetics
Classification: Uncertain significance for Cardiovascular phenotype. Last evaluated: 2023-03-24. Review status: criteria provided, single submitter. Criteria: Ambry Variant Classification Scheme 2023. Collection method: clinical testing. Allele origin: germline.
Comment: The p.A1542V variant (also known as c.4625C>T), located in coding exon 35 of the RYR2 gene, results from a C to T substitution at nucleotide position 4625. The alanine at codon 1542 is replaced by valine, an amino acid with similar properties. This amino acid position is highly conserved in available vertebrate species. In addition, this alteration is predicted to be deleterious by in silico analysis. Since supporting evidence is limited at this time, the clinical significance of this alteration remains unclear.